The following is an entry in ClinVar:

ClinVar aggregate classification (germline): Likely pathogenic (1 of 4 stars; one submission).

Conditions:
Tuberous sclerosis 2 (TSC2). Identifiers: Orphanet 805, MedGen C1860707, MONDO:0013199, OMIM 613254.

Submission:

Molecular Genetics Department, Kulakov National Medical Research Center for Obstetrics, Gynecology and Perinatology
Classification: Likely pathogenic for Tuberous sclerosis 2. Review status: criteria provided, single submitter. Criteria: ACMG Guidelines, 2015. Collection method: clinical testing. Allele origin: germline. Affected: yes.
Comment: A previously undescribed nucleotide variant creates a frameshift p.Val909CysfsTer6 in the TSC2 gene. Loss-of-function variants are reported in patients with Tuberous sclerosis-2, 613254. The variant is not present in population database (gnomAD no frequency). In summary, the currently available evidence indicates that the variant is pathogenic, but additional data are needed to prove that conclusively. Therefore, this variant has been classified as likely pathogenic.

NM_000548.5(TSC2):c.2724dup (p.Val909fs)

Gene: TSC2 (TSC complex subunit 2; plus strand). Cytogenetic location: 16p13.3.
Variant type: Duplication.
Coding change: c.2724dup on transcript NM_000548.5 (MANE Select); coding-DNA position 2724, one base duplicated (T; older notation c.2724dupT).
Protein change: p.Val909fs; shifts the reading frame from valine 909.
Molecular consequence: frameshift variant. On other transcripts: non-coding transcript variant (5).
Genome position (GRCh38, 1-based): chr16:2,076,152, T duplicated; the last of 4 consecutive T bases (chr16:2,076,149-2,076,152); duplicating any one gives the same sequence. VCF-style (leftmost placement, unchanged base first): chr16-2076148-A-AT. GRCh37 (hg19) VCF-style: chr16-2126149-A-AT.
Other names: c.2724dup, p.Val909fs (NM_001077183.3, NM_001114382.3, NM_001363528.2 and 6 more transcripts); c.2613dup, p.Val872fs (NM_001318827.2, NM_001406670.1, NM_001406678.1); c.2577dup, p.Val860fs (NM_001318829.2, NM_001406675.1, NM_001406676.1 and 1 more transcripts); c.2124dup, p.Val709fs (NM_001318831.2, NM_001406680.1, NM_001406682.1 and 6 more transcripts); c.2757dup, p.Val920fs (NM_001318832.2); c.2814dup, p.Val939fs (NM_001406667.1, NM_001406668.1); c.2712dup, p.Val905fs (NM_001406671.1, NM_001406673.1); c.2667dup, p.Val890fs (NM_001406677.1); and 3 more; short protein forms V375fs, V461fs, V709fs, V755fs, V860fs, V872fs, V890fs, V905fs.
Identifiers: ClinVar variation 3062291 (VCV003062291.1), dbSNP rs2543911183, ClinGen allele CA2740096834.
Genomic context (GRCh38, chr16:2,076,148, plus strand): 5'-GTCTGGCCCATCACGTCATAGCCATGTGGTTCATCAGGTGCCGCCTGCCCTTCCGGAAGG[A>AT]TTTTGTCCCTTTCATCACTAAGGTGGGCTCAGGGCCGGTGAAGGCTGTGTCTCTCGGTAG-3'